The following is an entry in ClinVar:

ClinVar aggregate classification (germline): Likely benign. Review status: criteria provided, multiple submitters, no conflicts (2 of 4 stars). 3 submissions from 3 submitters: Likely benign (3). Last evaluated 2026-01-11.

Conditions:
Wilson disease (WND). Also called: Wilson's disease. Identifiers: Orphanet 905, MedGen C0019202, MONDO:0010200, OMIM 277900. Disease mechanism: loss of function.

Allele frequency attached by ClinVar (database versions not stated): gnomAD exomes below 0.00001.
gnomAD v4.1: 2 of 1,614,172 alleles (0.00012%); highest among the groups gnomAD compares: Admixed American, 0.0017%; no homozygotes.

Submissions (3):

Labcorp Genetics (formerly Invitae), Labcorp
Classification: Likely benign for Wilson disease. Last evaluated: 2026-01-11. Review status: criteria provided, single submitter. Criteria: Invitae Variant Classification Sherloc (09022015). Collection method: clinical testing. Allele origin: germline.

All of Us Research Program, National Institutes of Health
Classification: Likely benign for Wilson disease. Last evaluated: 2023-10-06. Review status: criteria provided, single submitter. Criteria: ACMG Guidelines, 2015. Collection method: clinical testing. Allele origin: germline. Inheritance: Autosomal recessive inheritance. Observed: 1 variant allele, 1 heterozygote.
Comment: This study involves interpretation of variants in research participants for the purpose of population health screening. Participant phenotype was not available at the time of variant classification. Additional details can be found in publication PMID: 35346344, PMCID: PMC8962531

Blueprint Genetics
Classification: Likely benign. Last evaluated: 2022-03-18. Review status: criteria provided, single submitter. Criteria: ACMG Guidelines, 2015. Collection method: clinical testing. Allele origin: germline.

NM_000053.4(ATP7B):c.3984A>G (p.Ala1328=)

Gene: ATP7B (ATPase copper transporting beta; minus strand). Cytogenetic location: 13q14.3.
Variant type: single nucleotide variant.
Coding change: c.3984A>G on transcript NM_000053.4 (MANE Select); coding-DNA position 3984, A replaced by G.
Protein change: p.Ala1328=; no amino-acid change (alanine 1328 retained).
Molecular consequence: synonymous variant.
Genome position (GRCh38, 1-based): chr13:51,937,313, T>C on the plus strand (A>G on the coding strand, the complement: ATP7B is on the minus strand). VCF-style: chr13-51937313-T-C. GRCh37 (hg19) VCF-style: chr13-52511449-T-C.
Other names: c.3363A>G, p.Ala1121= (NM_001005918.3); c.3651A>G, p.Ala1217= (NM_001243182.2); c.3750A>G, p.Ala1250= (NM_001330578.2); c.3732A>G, p.Ala1244= (NM_001330579.2).
Identifiers: ClinVar variation 1151429 (VCV001151429.11), dbSNP rs2138558760, ClinGen allele CA483893480.
Genomic context (GRCh38, chr13:51,937,313, plus strand): 5'-CACAGTGGGTAAGAGCTGCCTACCTGCTGCAATGGGTATCCCAACCAGGTTATAAATCAG[T>C]GCCAGGACCAGGTTGATGCGTATCCTTCGGACAGTCCTCTTGGAAAGGTGAATGCTAGCC-3'
Protein context (NP_000044.2, residues 1318-1338): VRRIRINLVL[Ala1328=]LIYNLVGIPI